The following is an entry in ClinVar:

ClinVar aggregate classification (germline): Uncertain significance (1 of 4 stars; one submission).

Conditions:
Aortic aneurysm, familial thoracic 7 (AAT7). Also called: AORTIC DISSECTION, FAMILIAL, WITH OR WITHOUT AORTIC ANEURYSM. Identifiers: MedGen C3151077, MONDO:0013418, OMIM 613780.

Submission:

Labcorp Genetics (formerly Invitae), Labcorp
Classification: Uncertain significance for Aortic aneurysm, familial thoracic 7. Last evaluated: 2022-08-22. Review status: criteria provided, single submitter. Criteria: Invitae Variant Classification Sherloc (09022015). Collection method: clinical testing. Allele origin: germline.
Comment: In summary, the available evidence is currently insufficient to determine the role of this variant in disease. Therefore, it has been classified as a Variant of Uncertain Significance. Advanced modeling of protein sequence and biophysical properties (such as structural, functional, and spatial information, amino acid conservation, physicochemical variation, residue mobility, and thermodynamic stability) performed at Invitae indicates that this missense variant is not expected to disrupt MYLK protein function. This variant has not been reported in the literature in individuals affected with MYLK-related conditions. This variant is not present in population databases (gnomAD no frequency). This sequence change replaces arginine, which is basic and polar, with leucine, which is neutral and non-polar, at codon 888 of the MYLK protein (p.Arg888Leu).

NM_053025.4(MYLK):c.2663G>T (p.Arg888Leu)

Gene: MYLK (myosin light chain kinase; minus strand). Cytogenetic location: 3q21.1.
Variant type: single nucleotide variant.
Coding change: c.2663G>T on transcript NM_053025.4 (MANE Select); coding-DNA position 2663, G replaced by T.
Protein change: p.Arg888Leu; replaces arginine 888 with leucine.
Molecular consequence: missense variant.
Genome position (GRCh38, 1-based): chr3:123,700,805, C>A on the plus strand (G>T on the coding strand, the complement: MYLK is on the minus strand). VCF-style: chr3-123700805-C-A. GRCh37 (hg19) VCF-style: chr3-123419652-C-A.
Other names: c.2135G>T, p.Arg712Leu (NM_001321309.2); c.2456G>T, p.Arg819Leu (NM_053026.4, NM_053028.4); c.2663G>T, p.Arg888Leu (NM_053027.4); short protein forms R819L, R712L, R888L.
Identifiers: ClinVar variation 1960832 (VCV001960832.5), dbSNP rs528507616, ClinGen allele CA354231990.